The following is an entry in ClinVar:

NM_006147.4(IRF6):c.*665C>A

Gene: IRF6 (interferon regulatory factor 6; minus strand). Cytogenetic location: 1q32.2.
Variant type: single nucleotide variant.
Coding change: c.*665C>A on transcript NM_006147.4 (MANE Select); 665 bases downstream of the stop codon, C replaced by A.
Molecular consequence: 3 prime UTR variant.
Genome position (GRCh38, 1-based): chr1:209,787,755, G>T on the plus strand (C>A on the coding strand, the complement: IRF6 is on the minus strand). VCF-style: chr1-209787755-G-T. GRCh37 (hg19) VCF-style: chr1-209961100-G-T.
Other names: c.*665C>A (NM_001206696.2).
Identifiers: ClinVar variation 295194 (VCV000295194.5), dbSNP rs4844899, ClinGen allele CA10609018.

ClinVar aggregate classification (germline): Benign. Review status: criteria provided, single submitter (1 of 4 stars). 2 submissions from 1 submitter: Benign (2). Last evaluated 2018-01-12.

Conditions:
Van der Woude syndrome 1. Also called: CLEFT LIP AND/OR PALATE WITH MUCOUS CYSTS OF LOWER LIP; van der Woude Syndrome (VWS). Identifiers: MedGen C4551864, MONDO:0007333, OMIM 119300.
Orofacial cleft 6, susceptibility to (OFC6). Also called: CLEFT LIP WITH OR WITHOUT CLEFT PALATE, NONSYNDROMIC, 6. Identifiers: MedGen C1837213, MONDO:0012141, OMIM 608864.

Allele frequency attached by ClinVar (database versions not stated): gnomAD exomes 0.00327; gnomAD 0.00364 and 0.00384; TOPMed 0.00822; 1000 Genomes Project 0.00879; 1000 Genomes Project 30x 0.00968.
gnomAD v4.1: 588 of 152,490 alleles (0.39%); highest among the groups gnomAD compares: Admixed American, 3.4%; 18 homozygotes.

Submissions (2):

Illumina Laboratory Services, Illumina
Classification: Benign for Orofacial cleft 6, susceptibility to. Last evaluated: 2018-01-12. Review status: criteria provided, single submitter. Criteria: ICSL Variant Classification Criteria 13 December 2019. Collection method: clinical testing. Allele origin: germline.
Comment: This variant was observed in the ICSL laboratory as part of a predisposition screen in an ostensibly healthy population. It had not been previously curated by ICSL or reported in the Human Gene Mutation Database (HGMD: prior to June 1st, 2018), and was therefore a candidate for classification through an automated scoring system. Utilizing variant allele frequency, disease prevalence and penetrance estimates, and inheritance mode, an automated score was calculated to assess if this variant is too frequent to cause the disease. Based on the score and internal cut-off values, a variant classified as benign is not then subjected to further curation. The score for this variant resulted in a classification of benign for this disease.

Illumina Laboratory Services, Illumina
Classification: Benign for Van der Woude syndrome 1. Last evaluated: 2018-01-12. Review status: criteria provided, single submitter. Criteria: ICSL Variant Classification Criteria 13 December 2019. Collection method: clinical testing. Allele origin: germline.
Comment: the same text as in the submission from Illumina Laboratory Services, Illumina above.